The following is an entry in ClinVar:

ClinVar aggregate classification (germline): Likely benign (0 of 4 stars; one submission).

Conditions:
CTBP2-related disorder. Also called: CTBP2-related condition.

Allele frequency attached by ClinVar (database versions not stated): ExAC 0.00035; ESP Exome Variant Server 0.00062; gnomAD 0.00087; TOPMed 0.00087; 1000 Genomes Project 0.00160; 1000 Genomes Project 30x 0.00172.
gnomAD v4.1: 251 of 1,574,866 alleles (0.016%); highest among the groups gnomAD compares: African/African-American, 0.31%; no homozygotes.

Submission:

PreventionGenetics, part of Exact Sciences
Classification: Likely benign for CTBP2-related condition. Last evaluated: 2021-01-20. Review status: no assertion criteria provided. Collection method: clinical testing. Allele origin: germline.
Comment: This variant is classified as likely benign based on ACMG/AMP sequence variant interpretation guidelines (Richards et al. 2015 PMID: 25741868, with internal and published modifications).

NM_001329.4(CTBP2):c.58+11243A>G

Gene: CTBP2 (C-terminal binding protein 2; minus strand). Cytogenetic location: 10q26.13.
Variant type: single nucleotide variant.
Coding change: c.58+11243A>G on transcript NM_001329.4 (MANE Select); 11243 bases into the intron after coding-DNA position 58, A replaced by G.
Molecular consequence: intron variant. On other transcripts: synonymous variant (1).
Genome position (GRCh38, 1-based): chr10:125,027,754, T>C on the plus strand (A>G on the coding strand, the complement: CTBP2 is on the minus strand). VCF-style: chr10-125027754-T-C. GRCh37 (hg19) VCF-style: chr10-126716323-T-C.
Other names: c.6A>G, p.Pro2= (NM_022802.3); c.58+11243A>G (NM_001083914.3, NM_001290214.3, NM_001321012.2 and 3 more transcripts).
Identifiers: ClinVar variation 3036325 (VCV003036325.2), dbSNP rs142429792, ClinGen allele CA5736661.